The following is an entry in ClinVar:

ClinVar aggregate classification (germline): Uncertain significance. Review status: criteria provided, multiple submitters, no conflicts (2 of 4 stars). 2 submissions from 2 submitters: Uncertain significance (2). Last evaluated 2021-05-26.

Allele frequency attached by ClinVar (database versions not stated): gnomAD exomes 0.00001.

Submissions (2):

Labcorp Genetics (formerly Invitae), Labcorp
Classification: Uncertain significance. Last evaluated: 2021-05-26. Review status: criteria provided, single submitter. Criteria: Invitae Variant Classification Sherloc (09022015). Collection method: clinical testing. Allele origin: germline.
Comment: In summary, the available evidence is currently insufficient to determine the role of this variant in disease. Therefore, it has been classified as a Variant of Uncertain Significance. Algorithms developed to predict the effect of missense changes on protein structure and function are either unavailable or do not agree on the potential impact of this missense change (SIFT: "Deleterious"; PolyPhen-2: "Not Available"; Align-GVGD: "Class C0"). This variant has not been reported in the literature in individuals with RIN2-related conditions. This variant is not present in population databases (ExAC no frequency). This sequence change replaces proline with leucine at codon 115 of the RIN2 protein (p.Pro115Leu). The proline residue is highly conserved and there is a moderate physicochemical difference between proline and leucine.

GeneDx
Classification: Uncertain significance. Last evaluated: 2019-07-25. Review status: criteria provided, single submitter. Criteria: GeneDx Variant Classification Process June 2021. Collection method: clinical testing. Allele origin: germline. Affected: yes.
Comment: Not observed in large population cohorts (Lek et al., 2016)

NM_018993.4(RIN2):c.344C>T (p.Pro115Leu)

Gene: RIN2 (Ras and Rab interactor 2; plus strand). Cytogenetic location: 20p11.23.
Variant type: single nucleotide variant.
Coding change: c.344C>T on transcript NM_018993.4 (MANE Select); coding-DNA position 344, C replaced by T.
Protein change: p.Pro115Leu; replaces proline 115 with leucine.
Molecular consequence: missense variant. On other transcripts: 5 prime UTR variant (1).
Genome position (GRCh38, 1-based): chr20:19,956,800, C>T. VCF-style: chr20-19956800-C-T. GRCh37 (hg19) VCF-style: chr20-19937444-C-T.
Other names: c.491C>T, p.Pro164Leu (NM_001242581.2); c.-202C>T (NM_001378238.1); short protein forms P115L, P164L.
Identifiers: ClinVar variation 1307439 (VCV001307439.9), dbSNP rs2146237832, ClinGen allele CA408356947.